The following is an entry in ClinVar:

ClinVar aggregate classification (germline): Uncertain significance (1 of 4 stars; one submission).

Submission:

Women's Health and Genetics/Laboratory Corporation of America, LabCorp
Classification: Uncertain significance. Last evaluated: 2024-02-12. Review status: criteria provided, single submitter. Criteria: LabCorp Variant Classification Summary - May 2015. Collection method: clinical testing. Allele origin: germline.
Comment: Variant summary: ARCN1 c.406A>G (p.Met136Val) results in a conservative amino acid change in the encoded protein sequence. Four of five in-silico tools predict a damaging effect of the variant on protein function. The variant was absent in 251162 control chromosomes. The available data on variant occurrences in the general population are insufficient to allow any conclusion about variant significance. To our knowledge, no occurrence of c.406A>G in individuals affected with Short Stature, Rhizomelic, With Microcephaly, Micrognathia, And Developmental Delay and no experimental evidence demonstrating its impact on protein function have been reported. No submitters have cited clinical-significance assessments for this variant to ClinVar. Based on the evidence outlined above, the variant was classified as uncertain significance.

NM_001655.5(ARCN1):c.406A>G (p.Met136Val)

Gene: ARCN1 (archain 1; plus strand). Cytogenetic location: 11q23.3.
Variant type: single nucleotide variant.
Coding change: c.406A>G on transcript NM_001655.5 (MANE Select); coding-DNA position 406, A replaced by G.
Protein change: p.Met136Val; replaces methionine 136 with valine.
Molecular consequence: missense variant.
Genome position (GRCh38, 1-based): chr11:118,583,317, A>G. VCF-style: chr11-118583317-A-G. GRCh37 (hg19) VCF-style: chr11-118454032-A-G.
Other names: c.142A>G, p.Met48Val (NM_001142281.2, NM_001425081.1); c.406A>G, p.Met136Val (NM_001425073.1, NM_001425077.1, NM_001425078.1); c.403A>G, p.Met135Val (NM_001425074.1, NM_001425079.1); c.349A>G, p.Met117Val (NM_001425075.1); c.337A>G, p.Met113Val (NM_001425076.1); short protein forms M113V, M117V, M135V, M136V, M48V.
Identifiers: ClinVar variation 3068967 (VCV003068967.2), dbSNP rs2497682361, ClinGen allele CA382804550.